The following is an entry in ClinVar:

ClinVar aggregate classification (germline): Uncertain significance. Review status: criteria provided, multiple submitters, no conflicts (2 of 4 stars). 2 submissions from 2 submitters: Uncertain significance (2). Last evaluated 2026-01-05.

Submissions (2):

Labcorp Genetics (formerly Invitae), Labcorp
Classification: Uncertain significance. Last evaluated: 2026-01-05. Review status: criteria provided, single submitter. Criteria: Invitae Variant Classification Sherloc (09022015). Collection method: clinical testing. Allele origin: germline.
Comment: This sequence change replaces glutamic acid, which is acidic and polar, with glutamine, which is neutral and polar, at codon 714 of the FN1 protein (p.Glu714Gln). This variant is not present in population databases (gnomAD no frequency). This variant has not been reported in the literature in individuals affected with FN1-related conditions. ClinVar contains an entry for this variant (Variation ID: 2719835). An algorithm developed to predict the effect of missense changes on protein structure and function (PolyPhen-2) suggests that this variant is likely to be disruptive. In summary, the available evidence is currently insufficient to determine the role of this variant in disease. Therefore, it has been classified as a Variant of Uncertain Significance.

GeneDx
Classification: Uncertain significance. Last evaluated: 2024-02-20. Review status: criteria provided, single submitter. Criteria: GeneDx Variant Classification Process June 2021. Collection method: clinical testing. Allele origin: germline. Affected: yes.
Comment: Not observed at significant frequency in large population cohorts (gnomAD); In silico analysis supports that this missense variant does not alter protein structure/function; Has not been previously published as pathogenic or benign to our knowledge

NM_212482.4(FN1):c.2140G>C (p.Glu714Gln)

Gene: FN1 (fibronectin 1; minus strand). Cytogenetic location: 2q35.
Variant type: single nucleotide variant.
Coding change: c.2140G>C on transcript NM_212482.4 (MANE Select); coding-DNA position 2140, G replaced by C.
Protein change: p.Glu714Gln; replaces glutamic acid 714 with glutamine.
Molecular consequence: missense variant.
Genome position (GRCh38, 1-based): chr2:215,409,722, C>G on the plus strand (G>C on the coding strand, the complement: FN1 is on the minus strand). VCF-style: chr2-215409722-C-G. GRCh37 (hg19) VCF-style: chr2-216274445-C-G.
Other names: c.2140G>C, p.Glu714Gln (NM_001306129.2, NM_001306130.2, NM_001306131.2 and 13 more transcripts); c.2140G>C (NM_212482.1); short protein forms E714Q.
Identifiers: ClinVar variation 2719835 (VCV002719835.4), dbSNP rs2470106468, ClinGen allele CA350491777.
Genomic context (GRCh38, chr2:215,409,722, plus strand): 5'-TGGCTGTGATTTCGGTCACAGATTCAGAAGTGGCCACAAGAGGAGAAAAGGGAGTCGTCT[C>G]TCCTGTCACGGTGTTGCCTAGAGAGTCACAGAAAGGGGAAAGTCAGCCTTCAGTCATCTA-3'
Protein context (NP_997647.2, residues 704-724): TPVTSNTVTG[Glu714Gln]TTPFSPLVAT